The following is an entry in ClinVar:

NM_001100913.3(PACS2):c.832C>T (p.His278Tyr)

Gene: PACS2 (phosphofurin acidic cluster sorting protein 2; plus strand). Cytogenetic location: 14q32.33.
Variant type: single nucleotide variant.
Coding change: c.832C>T on transcript NM_001100913.3 (MANE Select); coding-DNA position 832, C replaced by T.
Protein change: p.His278Tyr; replaces histidine 278 with tyrosine.
Molecular consequence: missense variant.
Genome position (GRCh38, 1-based): chr14:105,376,798, C>T. VCF-style: chr14-105376798-C-T. GRCh37 (hg19) VCF-style: chr14-105843135-C-T.
Other names: c.607C>T, p.His203Tyr (NM_001243127.3); c.832C>T, p.His278Tyr (NM_015197.4); short protein forms H203Y, H278Y.
Identifiers: ClinVar variation 3664477 (VCV003664477.2).

ClinVar aggregate classification (germline): Uncertain significance (1 of 4 stars; one submission).

gnomAD v4.1: 8 of 1,613,142 alleles (0.0005%); highest among the groups gnomAD compares: African/African-American, 0.0013%; no homozygotes.

Submission:

Labcorp Genetics (formerly Invitae), Labcorp
Classification: Uncertain significance. Last evaluated: 2024-09-10. Review status: criteria provided, single submitter. Criteria: Invitae Variant Classification Sherloc (09022015). Collection method: clinical testing. Allele origin: germline.
Comment: This sequence change replaces histidine, which is basic and polar, with tyrosine, which is neutral and polar, at codon 278 of the PACS2 protein (p.His278Tyr). This variant is not present in population databases (gnomAD no frequency). This variant has not been reported in the literature in individuals affected with PACS2-related conditions. An algorithm developed to predict the effect of missense changes on protein structure and function (PolyPhen-2) suggests that this variant is likely to be tolerated. In summary, the available evidence is currently insufficient to determine the role of this variant in disease. Therefore, it has been classified as a Variant of Uncertain Significance.